The following is an entry in ClinVar:

NM_001042492.3(NF1):c.3243del (p.Gly1082fs)

Gene: NF1 (neurofibromin 1; plus strand). Cytogenetic location: 17q11.2.
Variant type: Deletion.
Coding change: c.3243del on transcript NM_001042492.3 (MANE Select); coding-DNA position 3243, one base deleted (T; older notation c.3243delT).
Protein change: p.Gly1082fs; shifts the reading frame from glycine 1082.
Molecular consequence: frameshift variant.
Genome position (GRCh38, 1-based): chr17:31,232,118, T deleted. VCF-style (leftmost placement, unchanged base first): chr17-31232117-CT-C. GRCh37 (hg19) VCF-style: chr17-29559135-CT-C.
Other names: c.3243delT, p.Gly1082Valfs (NM_000267.4); short protein forms G1082fs.
Identifiers: ClinVar variation 855008 (VCV000855008.6), dbSNP rs2067122982, ClinGen allele CA916080652.

ClinVar aggregate classification (germline): Pathogenic (1 of 4 stars; one submission).

Conditions:
Neurofibromatosis, type 1 (NF1). Also called: Neurofibromatosis, type I; VON RECKLINGHAUSEN DISEASE; Peripheral type neurofibromatosis; NEUROFIBROMATOSIS, TYPE I, SOMATIC. Identifiers: Orphanet 636, MedGen C0027831, MONDO:0018975, OMIM 162200. Disease mechanism: loss of function.

Submission:

Labcorp Genetics (formerly Invitae), Labcorp
Classification: Pathogenic for Neurofibromatosis, type 1. Last evaluated: 2019-12-03. Review status: criteria provided, single submitter. Criteria: Invitae Variant Classification Sherloc (09022015). Collection method: clinical testing. Allele origin: germline.
Comment: For these reasons, this variant has been classified as Pathogenic. Loss-of-function variants in NF1 are known to be pathogenic (PMID: 10712197, 23913538). This variant has not been reported in the literature in individuals with NF1-related conditions. This variant is not present in population databases (ExAC no frequency). This sequence change creates a premature translational stop signal (p.Gly1082Valfs*14) in the NF1 gene. It is expected to result in an absent or disrupted protein product.

Literature cited by the submitters: PubMed 10712197; PubMed 23913538.